The following is an entry in ClinVar:

ClinVar aggregate classification (germline): Uncertain significance (1 of 4 stars; one submission).

Conditions:
Primary immunodeficiency with post-measles-mumps-rubella vaccine viral infection. Also called: Immunodeficiency 44. Identifiers: Orphanet 431166, MedGen C4225260, MONDO:0014715, OMIM 616636.

Allele frequency attached by ClinVar (database versions not stated): gnomAD 0.00001.
gnomAD v4.1: 1 of 1,613,710 alleles (0.000062%); highest among the groups gnomAD compares: African/African-American, 0.0013%; no homozygotes.

Submission:

Labcorp Genetics (formerly Invitae), Labcorp
Classification: Uncertain significance for Primary immunodeficiency with post-measles-mumps-rubella vaccine viral infection. Last evaluated: 2020-10-07. Review status: criteria provided, single submitter. Criteria: Invitae Variant Classification Sherloc (09022015). Collection method: clinical testing. Allele origin: germline.
Comment: In summary, the available evidence is currently insufficient to determine the role of this variant in disease. Therefore, it has been classified as a Variant of Uncertain Significance. Nucleotide substitutions within the consensus splice site are a relatively common cause of aberrant splicing (PMID: 17576681, 9536098). Algorithms developed to predict the effect of sequence changes on RNA splicing suggest that this variant is not likely to affect RNA splicing, but this prediction has not been confirmed by published transcriptional studies. This variant has not been reported in the literature in individuals with STAT2-related conditions. This variant is not present in population databases (ExAC no frequency). This sequence change falls in intron 4 of the STAT2 gene. It does not directly change the encoded amino acid sequence of the STAT2 protein, but it affects a nucleotide within the consensus splice site of the intron.

Literature cited by the submitters: PubMed 17576681; PubMed 9536098.

NM_005419.4(STAT2):c.381+3G>A

Gene: STAT2 (signal transducer and activator of transcription 2; minus strand). Cytogenetic location: 12q13.3.
Variant type: single nucleotide variant.
Coding change: c.381+3G>A on transcript NM_005419.4 (MANE Select); 3 bases into the intron after coding-DNA position 381, G replaced by A.
Molecular consequence: intron variant.
Genome position (GRCh38, 1-based): chr12:56,355,705, C>T on the plus strand (G>A on the coding strand, the complement: STAT2 is on the minus strand). VCF-style: chr12-56355705-C-T. GRCh37 (hg19) VCF-style: chr12-56749489-C-T.
Other names: c.369+3G>A (NM_001385110.1, NM_001385115.1, NM_198332.2); c.381+3G>A (NM_001385114.1, NM_001385111.1, NM_001385113.1).
Identifiers: ClinVar variation 1018999 (VCV001018999.6), dbSNP rs1879403720, ClinGen allele CA947998810.
Genomic context (GRCh38, chr12:56,355,705, plus strand): 5'-AGTCCTTTCCATGGTTCCTCTCTACTTCAGGAGTTTCCAACATTACCACTGAATTGTCCT[C>T]ACCAATTGGGCCCTCTGAGCCTGGATCAAAATTCTTTTTTCTTCCAGAAGGAGGTTAAAG-3'